The following is an entry in ClinVar:

NM_138376.3(TTC5):c.612G>A (p.Gln204=)

Gene: TTC5 (tetratricopeptide repeat domain 5; minus strand). Cytogenetic location: 14q11.2.
Variant type: single nucleotide variant.
Coding change: c.612G>A on transcript NM_138376.3 (MANE Select); coding-DNA position 612, G replaced by A.
Protein change: p.Gln204=; no amino-acid change (glutamine 204 retained).
Molecular consequence: synonymous variant.
Genome position (GRCh38, 1-based): chr14:20,298,824, C>T on the plus strand (G>A on the coding strand, the complement: TTC5 is on the minus strand). VCF-style: chr14-20298824-C-T. GRCh37 (hg19) VCF-style: chr14-20766983-C-T.
Identifiers: ClinVar variation 2644043 (VCV002644043.24), dbSNP rs2501740103, ClinGen allele CA485126764.

ClinVar aggregate classification (germline): Likely benign (1 of 4 stars; one submission).

Submission:

CeGaT Center for Human Genetics Tuebingen
Classification: Likely benign. Last evaluated: 2022-07-01. Review status: criteria provided, single submitter. Criteria: CeGaT Center For Human Genetics Tuebingen Variant Classification Criteria Version 2. Collection method: clinical testing. Allele origin: germline. Affected: yes. Observed: 1 variant allele.
Comment: TTC5: PM2:Supporting, BP4, BP7